The following is an entry in ClinVar:

ClinVar aggregate classification (germline): Uncertain significance (1 of 4 stars; one submission).

Submission:

Labcorp Genetics (formerly Invitae), Labcorp
Classification: Uncertain significance. Last evaluated: 2025-04-28. Review status: criteria provided, single submitter. Criteria: Invitae Variant Classification Sherloc (09022015). Collection method: clinical testing. Allele origin: germline.
Comment: This sequence change replaces asparagine, which is neutral and polar, with serine, which is neutral and polar, at codon 553 of the JAK1 protein (p.Asn553Ser). This variant is not present in population databases (gnomAD no frequency). This variant has not been reported in the literature in individuals affected with JAK1-related conditions. ClinVar contains an entry for this variant (Variation ID: 2050985). Invitae Evidence Modeling of protein sequence and biophysical properties (such as structural, functional, and spatial information, amino acid conservation, physicochemical variation, residue mobility, and thermodynamic stability) indicates that this missense variant is not expected to disrupt JAK1 protein function with a negative predictive value of 80%. In summary, the available evidence is currently insufficient to determine the role of this variant in disease. Therefore, it has been classified as a Variant of Uncertain Significance.

NM_002227.4(JAK1):c.1658A>G (p.Asn553Ser)

Gene: JAK1 (Janus kinase 1; minus strand). Cytogenetic location: 1p31.3.
Variant type: single nucleotide variant.
Coding change: c.1658A>G on transcript NM_002227.4 (MANE Select); coding-DNA position 1658, A replaced by G.
Protein change: p.Asn553Ser; replaces asparagine 553 with serine.
Molecular consequence: missense variant.
Genome position (GRCh38, 1-based): chr1:64,850,901, T>C on the plus strand (A>G on the coding strand, the complement: JAK1 is on the minus strand). VCF-style: chr1-64850901-T-C. GRCh37 (hg19) VCF-style: chr1-65316584-T-C.
Other names: c.1658A>G, p.Asn553Ser (NM_001320923.2, NM_001321852.2, NM_001321853.2 and 3 more transcripts); c.1655A>G, p.Asn552Ser (NM_001321857.2); short protein forms N553S, N552S.
Identifiers: ClinVar variation 2050985 (VCV002050985.4), dbSNP rs776855575, ClinGen allele CA340668859.